The following is an entry in ClinVar:

NM_022095.4(ZNF335):c.1505A>G (p.Tyr502Cys)

Gene: ZNF335 (zinc finger protein 335; minus strand). Cytogenetic location: 20q13.12.
Variant type: single nucleotide variant.
Coding change: c.1505A>G on transcript NM_022095.4 (MANE Select); coding-DNA position 1505, A replaced by G.
Protein change: p.Tyr502Cys; replaces tyrosine 502 with cysteine.
Molecular consequence: missense variant.
Genome position (GRCh38, 1-based): chr20:45,963,501, T>C on the plus strand (A>G on the coding strand, the complement: ZNF335 is on the minus strand). VCF-style: chr20-45963501-T-C. GRCh37 (hg19) VCF-style: chr20-44592140-T-C.
Other names: short protein forms Y502C.
Identifiers: ClinVar variation 619007 (VCV000619007.2), dbSNP rs753888773, ClinGen allele CA9885719.
Genomic context (GRCh38, chr20:45,963,501, plus strand): 5'-CCATGAGCCCCAAGCCTCTTTGGCTCCCGCACCTTGAGCGAGGACCAGCGGCGGGAACGA[T>C]AGCTGCACTGCAGGCACTTGAAGAGCTGGGGATCGCCAGCCTCATGGGAGTTGACGTGGA-3'
Protein context (NP_071378.1, residues 492-512): PQLFKCLQCS[Tyr502Cys]RSRRWSSLKE

ClinVar aggregate classification (germline): Likely pathogenic. Review status: criteria provided, single submitter (1 of 4 stars). 2 submissions from 2 submitters: Likely pathogenic (1). 1 of the submissions does not count toward it. Last evaluated 2025-01-14.

Conditions:
Microcephalic primordial dwarfism due to ZNF335 deficiency. Also called: Primary autosomal recessive microcephaly 10. Identifiers: Orphanet 329228, MedGen C3554499, MONDO:0014043, OMIM 615095.

Allele frequency attached by ClinVar (database versions not stated): ExAC 0.00001; gnomAD 0.00003; TOPMed 0.00003.
gnomAD v4.1: 9 of 1,613,708 alleles (0.00056%); highest among the groups gnomAD compares: Middle Eastern, 0.016%; no homozygotes.

Submissions (2):

First Genomix Gene Laboratory, Genetic Diagnostics Department
Classification: Likely pathogenic for Microcephalic primordial dwarfism due to ZNF335 deficiency. Last evaluated: 2025-01-14. Review status: criteria provided, single submitter. Criteria: ACMG Guidelines, 2015. Collection method: clinical testing. Allele origin: germline. Inheritance: Autosomal recessive inheritance. Affected: no. Observed: 1 variant allele.

OMIM
Classification: Pathogenic for MICROCEPHALY 10, PRIMARY, AUTOSOMAL RECESSIVE. Last evaluated: 2019-02-18. Review status: no assertion criteria provided. Collection method: literature only. Allele origin: germline. Not counted in ClinVar's aggregate classification.

Literature cited by the submitters: PubMed 27540107 (cited by OMIM).